The following is an entry in ClinVar:

ClinVar aggregate classification (germline): Uncertain significance. Review status: criteria provided, multiple submitters, no conflicts (2 of 4 stars). 3 submissions from 3 submitters: Uncertain significance (3). Last evaluated 2024-11-18.

Allele frequency attached by ClinVar (database versions not stated): gnomAD exomes below 0.00001; TOPMed below 0.00001; ExAC 0.00001.

Submissions (3):

GeneDx
Classification: Uncertain significance. Last evaluated: 2024-11-18. Review status: criteria provided, single submitter. Criteria: GeneDx Variant Classification Process June 2021. Collection method: clinical testing. Allele origin: germline. Affected: yes.
Comment: Previously reported as a likely pathogenic variant and paternally inherited in an individual with single suture craniosynostosis (SSC), however additional clinical information was not provided (PMID: 29168297); Not observed at significant frequency in large population cohorts (gnomAD); In silico analysis supports that this missense variant has a deleterious effect on protein structure/function; This variant is associated with the following publications: (PMID: 29168297)

Labcorp Genetics (formerly Invitae), Labcorp
Classification: Uncertain significance. Last evaluated: 2023-10-15. Review status: criteria provided, single submitter. Criteria: Invitae Variant Classification Sherloc (09022015). Collection method: clinical testing. Allele origin: germline.
Comment: This sequence change replaces arginine, which is basic and polar, with cysteine, which is neutral and slightly polar, at codon 611 of the TCF12 protein (p.Arg611Cys). This variant is present in population databases (rs754118933, gnomAD 0.0009%). This missense change has been observed in individual(s) with craniosynostosis (PMID: 29168297). ClinVar contains an entry for this variant (Variation ID: 807264). Advanced modeling of protein sequence and biophysical properties (such as structural, functional, and spatial information, amino acid conservation, physicochemical variation, residue mobility, and thermodynamic stability) performed at Invitae indicates that this missense variant is expected to disrupt TCF12 protein function. In summary, the available evidence is currently insufficient to determine the role of this variant in disease. Therefore, it has been classified as a Variant of Uncertain Significance.

CeGaT Center for Human Genetics Tuebingen
Classification: Uncertain significance. Last evaluated: 2021-01-01. Review status: criteria provided, single submitter. Criteria: CeGaT Center For Human Genetics Tuebingen Variant Classification Criteria Version 2. Collection method: clinical testing. Allele origin: germline. Affected: yes. Observed: 4 variant alleles.

Literature cited by the submitters: PubMed 29168297 (cited by Labcorp Genetics (formerly Invitae), Labcorp).

NM_207037.2(TCF12):c.1831C>T (p.Arg611Cys)

Gene: TCF12 (transcription factor 12; plus strand). Cytogenetic location: 15q21.3.
Variant type: single nucleotide variant.
Coding change: c.1831C>T on transcript NM_207037.2 (MANE Select); coding-DNA position 1831, C replaced by T.
Protein change: p.Arg611Cys; replaces arginine 611 with cysteine.
Molecular consequence: missense variant.
Genome position (GRCh38, 1-based): chr15:57,273,115, C>T. VCF-style: chr15-57273115-C-T. GRCh37 (hg19) VCF-style: chr15-57565313-C-T.
Other names: c.1321C>T, p.Arg441Cys (NM_001306219.3); c.1051C>T, p.Arg351Cys (NM_001306220.3); c.1831C>T, p.Arg611Cys (NM_001322151.2, NM_001322159.3, NM_001322162.2 and 1 more transcripts); c.1828C>T, p.Arg610Cys (NM_001322152.2, NM_001322161.2); c.1174C>T, p.Arg392Cys (NM_001322154.2); c.1657C>T, p.Arg553Cys (NM_001322156.2); c.1759C>T, p.Arg587Cys (NM_001322157.3, NM_001322165.2, NM_003205.4 and 1 more transcripts); c.1249C>T, p.Arg417Cys (NM_207040.2); and 2 more; short protein forms R392C, R599C, R611C, R587C, R417C, R441C, R553C, R351C.
Identifiers: ClinVar variation 807264 (VCV000807264.50), dbSNP rs754118933, ClinGen allele CA7581372.